The following is an entry in ClinVar:

ClinVar aggregate classification (germline): Uncertain significance (1 of 4 stars; one submission).

Conditions:
Idiopathic generalized epilepsy. Also called: Generalised epilepsy; EIG. Identifiers: MedGen C0270850, MONDO:0005579, OMIM 600669.
Epilepsy, idiopathic generalized, susceptibility to, 13. Also called: EPILEPSY, JUVENILE MYOCLONIC, SUSCEPTIBILITY TO, 5. Identifiers: Orphanet 307, Orphanet 64280, MedGen C4013473, MONDO:0012627, OMIM 611136.
Epilepsy, childhood absence 4 (ECA4). Also called: EPILEPSY, CHILDHOOD ABSENCE, SUSCEPTIBILITY TO, 4. Identifiers: Orphanet 307, MedGen C1970160.

Submission:

Labcorp Genetics (formerly Invitae), Labcorp
Classification: Uncertain significance for Epilepsy, childhood absence 4; Epilepsy, idiopathic generalized, susceptibility to, 13; Idiopathic generalized epilepsy. Last evaluated: 2024-02-01. Review status: criteria provided, single submitter. Criteria: Invitae Variant Classification Sherloc (09022015). Collection method: clinical testing. Allele origin: germline.
Comment: This sequence change falls in intron 9 of the GABRA1 gene. It does not directly change the encoded amino acid sequence of the GABRA1 protein. Information on the frequency of this variant in the gnomAD database is not available, as this variant may be reported differently in the database. This variant has not been reported in the literature in individuals affected with GABRA1-related conditions. Experimental studies and prediction algorithms are not available or were not evaluated, and the effect of this variant on mRNA splicing is currently unknown. In summary, the available evidence is currently insufficient to determine the role of this variant in disease. Therefore, it has been classified as a Variant of Uncertain Significance.

NM_001127644.2(GABRA1):c.857-19_857-18delinsCC

Gene: GABRA1 (gamma-aminobutyric acid type A receptor subunit alpha1; plus strand). Cytogenetic location: 5q34.
Variant type: Indel.
Coding change: c.857-19_857-18delinsCC on transcript NM_001127644.2 (MANE Select); 19 bases into the intron before coding-DNA position 857 through 18 bases into the intron before coding-DNA position 857, TT replaced by CC.
Molecular consequence: intron variant.
Genome position (GRCh38, 1-based): chr5:161,895,647-161,895,648, TT replaced by CC. VCF-style: chr5-161895647-TT-CC. GRCh37 (hg19) VCF-style: chr5-161322653-TT-CC.
Other names: c.857-19_857-18delinsCC (NM_000806.5, NM_001127643.2, NM_001127645.2 and 1 more transcripts).
Identifiers: ClinVar variation 2922638 (VCV002922638.3), dbSNP rs2532291747, ClinGen allele CA2740094162.